The following is an entry in ClinVar:

ClinVar aggregate classification (germline): Benign/Likely benign. Review status: criteria provided, multiple submitters, no conflicts (2 of 4 stars). 8 submissions from 6 submitters: Benign (4); Likely benign (4). Last evaluated 2025-01-06.

Conditions:
TP63-Related Spectrum Disorders.
Orofacial cleft 8. Also called: Cleft lip with or without cleft palate, nonsyndromic, 8. Identifiers: MedGen C1851878, MONDO:0029145, OMIM 618149.
Ectrodactyly, ectodermal dysplasia, and cleft lip-palate syndrome 3. Also called: Ectrodactyly, Ectodermal Dysplasia, Clefting Syndrome Type 3 (EEC3); EEC SYNDROME 3; Ectrodactyly, Ectodermal Dysplasia, Clefting Syndrome; Ectrodactyly, Ectodermal Dysplasia, Cleft Lip/Palate Syndrome 3 (EEC3). Identifiers: Orphanet 1896, MedGen C1858562, MONDO:0011428, OMIM 604292.

Allele frequency attached by ClinVar (database versions not stated): gnomAD 0.00084 and 0.00082; 1000 Genomes Project 30x 0.00094; ExAC 0.00096; gnomAD exomes 0.00107 and 0.00119; 1000 Genomes Project 0.00120; ESP Exome Variant Server 0.00154; TOPMed 0.00081.
gnomAD v4.1: 1,891 of 1,614,112 alleles (0.12%); highest among the groups gnomAD compares: Non-Finnish European, 0.12%; 2 homozygotes.

Submissions (8):

Labcorp Genetics (formerly Invitae), Labcorp
Classification: Benign. Last evaluated: 2025-01-06. Review status: criteria provided, single submitter. Criteria: Invitae Variant Classification Sherloc (09022015). Collection method: clinical testing. Allele origin: germline.

Blueprint Genetics
Classification: Likely benign. Last evaluated: 2024-10-09. Review status: criteria provided, single submitter. Criteria: ACMG Guidelines, 2015. Collection method: clinical testing. Allele origin: germline.

CeGaT Center for Human Genetics Tuebingen
Classification: Likely benign. Last evaluated: 2023-01-01. Review status: criteria provided, single submitter. Criteria: CeGaT Center For Human Genetics Tuebingen Variant Classification Criteria Version 2. Collection method: clinical testing. Allele origin: germline. Affected: yes. Observed: 2 variant alleles.
Comment: TP63: BP4, BP7, BS1

GeneDx
Classification: Benign. Last evaluated: 2020-01-12. Review status: criteria provided, single submitter. Criteria: GeneDx Variant Classification Process June 2021. Collection method: clinical testing. Allele origin: germline. Affected: yes.

Illumina Laboratory Services, Illumina
Classification: Likely benign for Orofacial cleft 8. Last evaluated: 2018-01-13. Review status: criteria provided, single submitter. Criteria: ICSL Variant Classification Criteria 13 December 2019. Collection method: clinical testing. Allele origin: germline.
Comment: This variant was observed in the ICSL laboratory as part of a predisposition screen in an ostensibly healthy population. It had not been previously curated by ICSL or reported in the Human Gene Mutation Database (HGMD: prior to June 1st, 2018), and was therefore a candidate for classification through an automated scoring system. Utilizing variant allele frequency, disease prevalence and penetrance estimates, and inheritance mode, an automated score was calculated to assess if this variant is too frequent to cause the disease. Based on the score and internal cut-off values, a variant classified as likely benign is not then subjected to further curation. The score for this variant resulted in a classification of likely benign for this disease.

Illumina Laboratory Services, Illumina
Classification: Benign for Ectrodactyly, ectodermal dysplasia, and cleft lip-palate syndrome 3. Last evaluated: 2018-01-13. Review status: criteria provided, single submitter. Criteria: ICSL Variant Classification Criteria 13 December 2019. Collection method: clinical testing. Allele origin: germline.
Comment: This variant was observed in the ICSL laboratory as part of a predisposition screen in an ostensibly healthy population. It had not been previously curated by ICSL or reported in the Human Gene Mutation Database (HGMD: prior to June 1st, 2018), and was therefore a candidate for classification through an automated scoring system. Utilizing variant allele frequency, disease prevalence and penetrance estimates, and inheritance mode, an automated score was calculated to assess if this variant is too frequent to cause the disease. Based on the score and internal cut-off values, a variant classified as benign is not then subjected to further curation. The score for this variant resulted in a classification of benign for this disease.

Illumina Laboratory Services, Illumina
Classification: Benign for TP63-Related Spectrum Disorders. Last evaluated: 2018-01-13. Review status: criteria provided, single submitter. Criteria: ICSL Variant Classification Criteria 13 December 2019. Collection method: clinical testing. Allele origin: germline.
Comment: the same text as in the submission from Illumina Laboratory Services, Illumina above.

PreventionGenetics, part of Exact Sciences
Classification: Likely benign. Review status: criteria provided, single submitter. Criteria: ACMG Guidelines, 2015. Collection method: clinical testing. Allele origin: germline.

NM_003722.5(TP63):c.1587C>T (p.Leu529=)

Gene: TP63 (tumor protein p63; plus strand). Cytogenetic location: 3q28.
Variant type: single nucleotide variant.
Coding change: c.1587C>T on transcript NM_003722.5 (MANE Select); coding-DNA position 1587, C replaced by T.
Protein change: p.Leu529=; no amino-acid change (leucine 529 retained).
Molecular consequence: synonymous variant. On other transcripts: intron variant (4).
Genome position (GRCh38, 1-based): chr3:189,889,419, C>T. VCF-style: chr3-189889419-C-T. GRCh37 (hg19) VCF-style: chr3-189607208-C-T.
Other names: c.1587C>T, p.Leu529= (NM_001114978.2); c.1305C>T, p.Leu435= (NM_001114980.2, NM_001114981.2); c.1050C>T, p.Leu350= (NM_001329146.2); c.1575C>T, p.Leu525= (NM_001329148.2); c.1581C>T, p.Leu527= (NM_001329964.2); c.1507+2868C>T (NM_001329144.2); c.1225+2868C>T (NM_001329145.2); c.1213+2868C>T (NM_001329149.2); and 1 more.
Identifiers: ClinVar variation 259129 (VCV000259129.44), dbSNP rs141847552, ClinGen allele CA2752523.
Genomic context (GRCh38, chr3:189,889,419, plus strand): 5'-CATGCCAATGGCTGGAGACATGAATGGACTCAGCCCCACCCAGGCACTCCCTCCCCCACT[C>T]TCCATGCCATCCACCTCCCACTGCACACCCCCACCTCCGTATCCCACAGATTGCAGCATT-3'
Protein context (NP_003713.3, residues 519-539): LSPTQALPPP[Leu529=]SMPSTSHCTP